The following is an entry in ClinVar:

ClinVar aggregate classification (germline): Likely pathogenic (3 of 4 stars; one submission).

Conditions:
Glanzmann thrombasthenia. Also called: PLATELET GLYCOPROTEIN IIb-IIIa DEFICIENCY; BLEEDING DISORDER, PLATELET-TYPE, 2; THROMBASTHENIA OF GLANZMANN AND NAEGELI; Thrombasthenia; Glanzmann's thrombasthenia. Identifiers: Orphanet 849, MedGen C0040015, MONDO:0100326.

Submission:

ClinGen Platelet Disorders Variant Curation Expert Panel, ClinGen
Classification: Likely pathogenic for Glanzmann thrombasthenia. Last evaluated: 2025-05-01. Review status: reviewed by expert panel. Criteria: ClinGen Platelet ACMG Specifications v2-1. Collection method: curation. Allele origin: germline. Inheritance: Autosomal recessive inheritance.
Comment: The NM_000419.5(ITGA2B):c.48G>A (p.Trp16Ter) variant in exon 1 is a nonsense variant in biologically-relevant-exon 1/30. Premature termination codons within exon 1/ first 100 nucleotides may not cause NMD and instead may lead to translation re-initiation (PMID: 27618451). Therefore, PVS1 is downgraded to PVS1_Moderate. At least one patient (UPN 1 in PMID: 16879215) with this variant displayed mucocutaneous bleeding and impaired aggregation with all agonists except ristocetin, which is highly specific for Glanzmann thrombasthenia (PP4_moderate). Additionally, αIIbβ3 surface expression was reduced to 5.6%, as measured by flow cytometry. UPN 1 is homozygous for this variant (PM3_supporting; PMID: 16879215). This variant is absent from gnomAD v4.1 (PM2_Supporting). In summary, this variant meets the criteria to be classified as likely pathogenic for autosomal recessive Glanzmann Thrombasthenia based on the ACMG/AMP criteria applied, as specified by the ClinGen PD VCEP: PVS1_moderate, PM2_supporting, PM3_supporting, PP4_moderate.

NM_000419.5(ITGA2B):c.48G>A (p.Trp16Ter)

Gene: ITGA2B (integrin subunit alpha 2b; minus strand). Cytogenetic location: 17q21.31.
Variant type: single nucleotide variant.
Coding change: c.48G>A on transcript NM_000419.5 (MANE Select); coding-DNA position 48, G replaced by A.
Protein change: p.Trp16Ter; replaces tryptophan 16 with a stop codon.
Molecular consequence: nonsense.
Genome position (GRCh38, 1-based): chr17:44,389,426, C>T on the plus strand (G>A on the coding strand, the complement: ITGA2B is on the minus strand). VCF-style: chr17-44389426-C-T. GRCh37 (hg19) VCF-style: chr17-42466794-C-T.
Other names: NM_000419.5:c.48G>A; short protein forms W16*.
Identifiers: ClinVar variation 1879030 (VCV001879030.2), dbSNP rs2143507207, ClinGen allele CA399807046.